The following is an entry in ClinVar:

ClinVar aggregate classification (germline): Pathogenic/Likely pathogenic. Review status: criteria provided, multiple submitters, no conflicts (2 of 4 stars). 3 submissions from 3 submitters: Pathogenic (1); Likely pathogenic (1). 1 of the submissions does not count toward it. Last evaluated 2022-08-23.

Conditions:
Autosomal recessive osteopetrosis 1. Also called: TCIRG1-Related Autosomal Recessive Osteopetrosis; TCIRG1-Related Osteopetrosis; ALBERS-SCHONBERG DISEASE, AUTOSOMAL RECESSIVE. Identifiers: Orphanet 667, MedGen C1850127, MONDO:0009815, OMIM 259700.

Submissions (3):

Labcorp Genetics (formerly Invitae), Labcorp
Classification: Pathogenic. Last evaluated: 2022-08-23. Review status: criteria provided, single submitter. Criteria: Invitae Variant Classification Sherloc (09022015). Collection method: clinical testing. Allele origin: germline.
Comment: This variant is not present in population databases (gnomAD no frequency). For these reasons, this variant has been classified as Pathogenic. Advanced modeling of protein sequence and biophysical properties (such as structural, functional, and spatial information, amino acid conservation, physicochemical variation, residue mobility, and thermodynamic stability) performed at Invitae indicates that this missense variant is expected to disrupt TCIRG1 protein function. ClinVar contains an entry for this variant (Variation ID: 552227). This missense change has been observed in individuals with osteopetrosis (PMID: 11532986, 12552563, 22231430, 29363653). This sequence change replaces glycine, which is neutral and non-polar, with arginine, which is basic and polar, at codon 405 of the TCIRG1 protein (p.Gly405Arg).

Fulgent Genetics
Classification: Likely pathogenic for Autosomal recessive osteopetrosis 1. Last evaluated: 2018-10-31. Review status: criteria provided, single submitter. Criteria: ACMG Guidelines, 2015. Collection method: clinical testing. Allele origin: unknown.

Counsyl
Classification: Pathogenic for Autosomal recessive osteopetrosis 1. Last evaluated: 2017-05-31. Review status: no assertion criteria provided. Collection method: clinical testing. Allele origin: unknown. Not counted in ClinVar's aggregate classification.

Literature cited by the submitters: PubMed 11532986 (cited by Labcorp Genetics (formerly Invitae), Labcorp); PubMed 12552563 (cited by Labcorp Genetics (formerly Invitae), Labcorp); PubMed 22231430 (cited by Labcorp Genetics (formerly Invitae), Labcorp and Counsyl); PubMed 29363653 (cited by Labcorp Genetics (formerly Invitae), Labcorp).

NM_006019.4(TCIRG1):c.1213G>C (p.Gly405Arg)

Gene: TCIRG1 (T cell immune regulator 1, ATPase H+ transporting V0 subunit a3; plus strand). Cytogenetic location: 11q13.2.
Variant type: single nucleotide variant.
Coding change: c.1213G>C on transcript NM_006019.4 (MANE Select); coding-DNA position 1213, G replaced by C.
Protein change: p.Gly405Arg; replaces glycine 405 with arginine.
Molecular consequence: missense variant.
Genome position (GRCh38, 1-based): chr11:68,047,480, G>C. VCF-style: chr11-68047480-G-C. GRCh37 (hg19) VCF-style: chr11-67814947-G-C.
Other names: c.319G>C, p.Gly107Arg (NM_001351059.2); c.565G>C, p.Gly189Arg (NM_006053.4); short protein forms G405R, G107R, G189R.
Identifiers: ClinVar variation 552227 (VCV000552227.11), dbSNP rs137853150, ClinGen allele CA381582212.